The following is an entry in ClinVar:

NM_025114.4(CEP290):c.6260C>T (p.Pro2087Leu)

Gene: CEP290 (centrosomal protein 290; minus strand). Cytogenetic location: 12q21.32.
Variant type: single nucleotide variant.
Coding change: c.6260C>T on transcript NM_025114.4 (MANE Select); coding-DNA position 6260, C replaced by T.
Protein change: p.Pro2087Leu; replaces proline 2087 with leucine.
Molecular consequence: missense variant.
Genome position (GRCh38, 1-based): chr12:88,063,991, G>A on the plus strand (C>T on the coding strand, the complement: CEP290 is on the minus strand). VCF-style: chr12-88063991-G-A. GRCh37 (hg19) VCF-style: chr12-88457768-G-A.
Other names: short protein forms P2087L.
Identifiers: ClinVar variation 4790071 (VCV004790071.1).

ClinVar aggregate classification (germline): Uncertain significance (1 of 4 stars; one submission).

Conditions:
Meckel-Gruber syndrome. Also called: GRUBER SYNDROME; DYSENCEPHALIA SPLANCHNOCYSTICA; Dysencephalia splachnocystica. Identifiers: Orphanet 564, MedGen C0265215, MONDO:0018921.
Joubert syndrome. Also called: Familial aplasia of the vermis; JOUBERT-BOLTSHAUSER SYNDROME; CEREBELLOPARENCHYMAL DISORDER IV. Identifiers: Orphanet 475, MedGen C5979921, MONDO:0018772.
Nephronophthisis. Also called: Juvenile Nephronophthisis. Identifiers: Orphanet 655, MedGen C0687120, MONDO:0019005, HP:0000090.

gnomAD v4.1: 2 of 1,594,830 alleles (0.00013%); highest among the groups gnomAD compares: East Asian, 0.0045%; no homozygotes.

Submission:

Labcorp Genetics (formerly Invitae), Labcorp
Classification: Uncertain significance for Joubert syndrome; Meckel-Gruber syndrome; Nephronophthisis. Last evaluated: 2025-12-11. Review status: criteria provided, single submitter. Criteria: Invitae Variant Classification Sherloc (09022015). Collection method: clinical testing. Allele origin: germline.
Comment: This sequence change replaces proline, which is neutral and non-polar, with leucine, which is neutral and non-polar, at codon 2087 of the CEP290 protein (p.Pro2087Leu). This variant is present in population databases (rs763168782, gnomAD 0.03%). This missense change has been observed in individual(s) with CEP290-related conditions (PMID: 31630094). Invitae Evidence Modeling of protein sequence and biophysical properties (such as structural, functional, and spatial information, amino acid conservation, physicochemical variation, residue mobility, and thermodynamic stability) indicates that this missense variant is expected to disrupt CEP290 protein function with a positive predictive value of 80%. In summary, the available evidence is currently insufficient to determine the role of this variant in disease. Therefore, it has been classified as a Variant of Uncertain Significance.

Literature cited by the submitters: PubMed 31630094.